The following continues an entry in ClinVar:

NM_032043.3(BRIP1):c.577G>A (p.Val193Ile)

Gene: BRIP1. ClinVar aggregate classification (germline): Benign/Likely benign. Benign (12); Likely benign (10).

Submissions 27 to 33 of 33:

Clinical Genetics Laboratory, Department of Pathology, Netherlands Cancer Institute
Classification: Benign. Review status: no assertion criteria provided. Collection method: clinical testing. Allele origin: germline. Affected: yes. Study: VKGL Data-share Consensus. Not counted in ClinVar's aggregate classification.

Department of Pathology and Laboratory Medicine, Sinai Health System
Classification: Benign for Malignant tumor of breast. Review status: no assertion criteria provided. Collection method: clinical testing. Allele origin: unknown. Affected: yes. Study: The Canadian Open Genetics Repository (COGR). Not counted in ClinVar's aggregate classification.
Comment: The BRIP1 p.Val193Ile variant was identified in 4 of 726 proband chromosomes (frequency: 0.006) from individuals with breast and prostate cancer and was present in 14 of 4556 control chromosomes (frequency: 0.003) from healthy individuals (Kote-Jarai 2009,Rutter 2003, Vahteristo 2006, Wong 2011). The variant was identified in dbSNP (rs4988346) as â€šÃ„Ãºwith benign alleleâ€šÃ„Ã¹, ClinVar (interpreted as "benign" by Invitae and 8 others and "likely benign" by True Health Diagnostics). The variant was identified in control databases in 986 of 277,084 chromosomes (9 homozygous) at a frequency of 0.004 increasing the likelihood this could be a low frequency benign variant (Genome Aggregation Database Feb 27, 2017). The variant was observed in the following populations: African in 13 of 24,026 chromosomes (freq: 0.0005), Other in 39 of 6462 chromosomes (freq: 0.006), Latino in 135 of 34,414 chromosomes (freq: 0.004), European in 650 of 126,616 chromosomes (freq: 0.005), Ashkenazi Jewish in 54 of 10,148 chromosomes (freq: 0.005), Finnish in 27 of 25,780 chromosomes (freq: 0.001), and South Asian in 68 of 30,782 chromosomes (freq: 0.002). The variant was not observed in the East Asian population. The p.Val193 residue is not conserved in mammals and computational analyses (PolyPhen-2, SIFT, AlignGVGD, BLOSUM, MutationTaster) do not suggest a high likelihood of impact to the protein; however, this information is not predictive enough to rule out pathogenicity. The variant occurs outside of the splicing consensus sequence and in silico or computational prediction software programs (SpliceSiteFinder, MaxEntScan, NNSPLICE, GeneSplicer) do not predict a difference in splicing. In summary, based on the above information this variant meets our laboratory's criteria to be classified as benign.

Diagnostic Laboratory, Department of Genetics, University Medical Center Groningen
Classification: Likely benign. Review status: no assertion criteria provided. Collection method: clinical testing. Allele origin: germline. Affected: yes. Study: VKGL Data-share Consensus. Not counted in ClinVar's aggregate classification.

Genome Diagnostics Laboratory, Amsterdam University Medical Center
Classification: Likely benign. Review status: no assertion criteria provided. Collection method: clinical testing. Allele origin: germline. Affected: yes. Study: VKGL Data-share Consensus. Not counted in ClinVar's aggregate classification.

Genome Diagnostics Laboratory, University Medical Center Utrecht
Classification: Likely benign. Review status: no assertion criteria provided. Collection method: clinical testing. Allele origin: germline. Affected: yes. Study: VKGL Data-share Consensus. Not counted in ClinVar's aggregate classification.

Joint Genome Diagnostic Labs from Nijmegen and Maastricht, Radboudumc and MUMC+
Classification: Likely benign. Review status: no assertion criteria provided. Collection method: clinical testing. Allele origin: germline. Affected: yes. Study: VKGL Data-share Consensus. Not counted in ClinVar's aggregate classification.

Laboratory of Diagnostic Genome Analysis, Leiden University Medical Center (LUMC)
Classification: Benign. Review status: no assertion criteria provided. Collection method: clinical testing. Allele origin: germline. Affected: yes. Study: VKGL Data-share Consensus. Not counted in ClinVar's aggregate classification.

Literature cited by the submitters: PubMed 12872252 (cited by Quest Diagnostics Nichols Institute San Juan Capistrano); PubMed 26790966 (cited by Quest Diagnostics Nichols Institute San Juan Capistrano); PubMed 16430786 (cited by Quest Diagnostics Nichols Institute San Juan Capistrano); PubMed 19584272 (cited by Quest Diagnostics Nichols Institute San Juan Capistrano); PubMed 19935797 (cited by Quest Diagnostics Nichols Institute San Juan Capistrano and Counsyl); PubMed 19127258 (cited by Quest Diagnostics Nichols Institute San Juan Capistrano); PubMed 21409391 (cited by Counsyl); PubMed 24728327 (cited by ITMI).